The following is an entry in ClinVar:

NM_145698.5(ACBD5):c.934G>A (p.Glu312Lys)

Gene: ACBD5 (acyl-CoA binding domain containing 5; minus strand). Cytogenetic location: 10p12.1.
Variant type: single nucleotide variant.
Coding change: c.934G>A on transcript NM_145698.5 (MANE Select); coding-DNA position 934, G replaced by A.
Protein change: p.Glu312Lys; replaces glutamic acid 312 with lysine.
Molecular consequence: missense variant.
Genome position (GRCh38, 1-based): chr10:27,215,537, C>T on the plus strand (G>A on the coding strand, the complement: ACBD5 is on the minus strand). VCF-style: chr10-27215537-C-T. GRCh37 (hg19) VCF-style: chr10-27504466-C-T.
Other names: c.829G>A, p.Glu277Lys (NM_001042473.4, NM_001352577.2, NM_001352578.2 and 1 more transcripts); c.928G>A, p.Glu310Lys (NM_001271512.3); c.607G>A, p.Glu203Lys (NM_001301251.2, NM_001301252.2, NM_001301253.2 and 2 more transcripts); c.403G>A, p.Glu135Lys (NM_001301254.2); c.988G>A, p.Glu330Lys (NM_001352568.1); c.967G>A, p.Glu323Lys (NM_001352569.1); c.934G>A, p.Glu312Lys (NM_001352570.1); c.961G>A, p.Glu321Lys (NM_001352571.1); and 11 more; short protein forms E244K, E288K, E319K, E323K, E214K, E242K, E305K, E310K.
Identifiers: ClinVar variation 1514245 (VCV001514245.8), dbSNP rs141272108, ClinGen allele CA5450790.

ClinVar aggregate classification (germline): Uncertain significance. Review status: criteria provided, multiple submitters, no conflicts (2 of 4 stars). 2 submissions from 2 submitters: Uncertain significance (2). Last evaluated 2024-01-23.

Conditions:
Inborn genetic diseases. Identifiers: MedGen C0950123, MeSH D030342.

Allele frequency attached by ClinVar (database versions not stated): gnomAD exomes below 0.00001 and 0.00002; ExAC 0.00003; TOPMed 0.00003; gnomAD 0.00004; ESP Exome Variant Server 0.00015.
gnomAD v4.1: 8 of 1,608,506 alleles (0.0005%); highest among the groups gnomAD compares: African/African-American, 0.011%; no homozygotes.

Submissions (2):

Ambry Genetics
Classification: Uncertain significance for Inborn genetic diseases. Last evaluated: 2024-01-23. Review status: criteria provided, single submitter. Criteria: Ambry Variant Classification Scheme 2023. Collection method: clinical testing. Allele origin: germline.

Labcorp Genetics (formerly Invitae), Labcorp
Classification: Uncertain significance. Last evaluated: 2021-03-21. Review status: criteria provided, single submitter. Criteria: Invitae Variant Classification Sherloc (09022015). Collection method: clinical testing. Allele origin: germline.
Comment: In summary, the available evidence is currently insufficient to determine the role of this variant in disease. Therefore, it has been classified as a Variant of Uncertain Significance. This sequence change replaces glutamic acid with lysine at codon 312 of the ACBD5 protein (p.Glu312Lys). The glutamic acid residue is moderately conserved and there is a small physicochemical difference between glutamic acid and lysine. This variant is present in population databases (rs141272108, ExAC 0.03%). This variant has not been reported in the literature in individuals with ACBD5-related conditions. Algorithms developed to predict the effect of missense changes on protein structure and function are either unavailable or do not agree on the potential impact of this missense change (SIFT: "Tolerated"; PolyPhen-2: "Possibly Damaging"; Align-GVGD: "Class C0").